The following is an entry in ClinVar:

ClinVar aggregate classification (germline): Pathogenic (1 of 4 stars; one submission).

Conditions:
Alport syndrome. Also called: Hemorrhagic familial nephritis; Hemorrhagic hereditary nephritis; Congenital hereditary hematuria. Identifiers: Orphanet 63, MedGen C1567741, MONDO:0018965.

Submission:

Myriad Genetics, Inc.
Classification: Pathogenic for Alport syndrome. Last evaluated: 2025-05-27. Review status: criteria provided, single submitter. Criteria: Myriad Autosomal Dominant, Autosomal Recessive and X-Linked Classification Criteria (2023). Collection method: clinical testing. Allele origin: unknown.
Comment: NM_000092.4(COL4A4):c.3518C>G(S1173*) is expected to be pathogenic in the context of Alport syndrome, COL4A4-related. This variant is predicted to lead to an abnormal or absent protein product due to the creation of a premature termination codon in COL4A4, a gene where loss-of-function variants are known to be pathogenic. Please note: this variant was assessed in the context of healthy population screening.

NM_000092.5(COL4A4):c.3518C>G (p.Ser1173Ter)

Gene: COL4A4 (collagen type IV alpha 4 chain; minus strand). Cytogenetic location: 2q36.3.
Variant type: single nucleotide variant.
Coding change: c.3518C>G on transcript NM_000092.5 (MANE Select); coding-DNA position 3518, C replaced by G.
Protein change: p.Ser1173Ter; replaces serine 1173 with a stop codon.
Molecular consequence: nonsense.
Genome position (GRCh38, 1-based): chr2:227,033,469, G>C on the plus strand (C>G on the coding strand, the complement: COL4A4 is on the minus strand). VCF-style: chr2-227033469-G-C. GRCh37 (hg19) VCF-style: chr2-227898185-G-C.
Other names: short protein forms S1173*.
Identifiers: ClinVar variation 5014526 (VCV005014526.1).